The following is an entry in ClinVar:

NM_001349253.2(SCN11A):c.74C>T (p.Ala25Val)

Gene: SCN11A (sodium voltage-gated channel alpha subunit 11; minus strand). Cytogenetic location: 3p22.2.
Variant type: single nucleotide variant.
Coding change: c.74C>T on transcript NM_001349253.2 (MANE Select); coding-DNA position 74, C replaced by T.
Protein change: p.Ala25Val; replaces alanine 25 with valine.
Molecular consequence: missense variant.
Genome position (GRCh38, 1-based): chr3:38,950,289, G>A on the plus strand (C>T on the coding strand, the complement: SCN11A is on the minus strand). VCF-style: chr3-38950289-G-A. GRCh37 (hg19) VCF-style: chr3-38991780-G-A.
Other names: c.74C>T, p.Ala25Val (NM_014139.3); short protein forms A25V.
Identifiers: ClinVar variation 3373625 (VCV003373625.1).

ClinVar aggregate classification (germline): Uncertain significance (1 of 4 stars; one submission).

Submission:

GeneDx
Classification: Uncertain significance. Last evaluated: 2024-03-05. Review status: criteria provided, single submitter. Criteria: GeneDx Variant Classification Process June 2021. Collection method: clinical testing. Allele origin: germline. Affected: yes.
Comment: Not observed at significant frequency in large population cohorts (gnomAD); In silico analysis supports that this missense variant has a deleterious effect on protein structure/function; Has not been previously published as pathogenic or benign to our knowledge